The following is an entry in ClinVar:

ClinVar aggregate classification (germline): Uncertain significance (1 of 4 stars; one submission).

Submission:

Ambry Genetics
Classification: Uncertain significance. Last evaluated: 2025-10-25. Review status: criteria provided, single submitter. Criteria: Ambry Variant Classification Scheme 2023. Collection method: clinical testing. Allele origin: germline.
Comment: The p.T72N variant (also known as c.215C>A), located in coding exon 2 of the SRP72 gene, results from a C to A substitution at nucleotide position 215. The threonine at codon 72 is replaced by asparagine, an amino acid with similar properties. This amino acid position is conserved. In addition, this alteration is predicted to be tolerated by in silico analysis. Based on the available evidence, the clinical significance of this variant remains unclear.

NM_006947.4(SRP72):c.215C>A (p.Thr72Asn)

Gene: SRP72 (signal recognition particle 72; plus strand). Cytogenetic location: 4q12.
Variant type: single nucleotide variant.
Coding change: c.215C>A on transcript NM_006947.4 (MANE Select); coding-DNA position 215, C replaced by A.
Protein change: p.Thr72Asn; replaces threonine 72 with asparagine.
Molecular consequence: missense variant. On other transcripts: non-coding transcript variant (1).
Genome position (GRCh38, 1-based): chr4:56,469,758, C>A. VCF-style: chr4-56469758-C-A. GRCh37 (hg19) VCF-style: chr4-57335924-C-A.
Other names: c.215C>A, p.Thr72Asn (NM_001267722.2); short protein forms T72N.
Identifiers: ClinVar variation 4589612 (VCV004589612.1).